The following is an entry in ClinVar:

ClinVar aggregate classification (germline): Benign/Likely benign. Review status: criteria provided, multiple submitters, no conflicts (2 of 4 stars). 5 submissions from 4 submitters: Benign (3); Likely benign (2). Last evaluated 2021-05-13.

Conditions:
Muscular dystrophy-dystroglycanopathy (congenital with brain and eye anomalies), type A, 4 (MDDGA4). Also called: Muscular dystrophy, congenital progressive, with mental retardation; Muscular dystrophy, congenital, with central nervous system involvement; Cerebromuscular dystrophy, Fukuyama type; Fukuyama congenital muscular dystrophy; Congenital muscular dystrophy-dystroglycanopathy with brain and eye anomalies, type A4; WALKER-WARBURG SYNDROME OR MUSCLE-EYE-BRAIN DISEASE, FKTN-RELATED. Identifiers: Orphanet 272, Orphanet 588, Orphanet 899, MedGen C0410174, MONDO:0009678, OMIM 253800.
Dilated cardiomyopathy 1X (CMD1X). Also called: CARDIOMYOPATHY, DILATED, WITH MILD OR NO PROXIMAL MUSCLE WEAKNESS; FKTN-Related Dilated Cardiomyopathy. Identifiers: Orphanet 154, MedGen C1969024, MONDO:0012704, OMIM 611615.

Allele frequency attached by ClinVar (database versions not stated): gnomAD 0.12115 and 0.12423; TOPMed 0.13044; 1000 Genomes Project 0.13419; 1000 Genomes Project 30x 0.13445.

Submissions (5):

GeneDx
Classification: Benign. Last evaluated: 2021-05-13. Review status: criteria provided, single submitter. Criteria: GeneDx Variant Classification Process June 2021. Collection method: clinical testing. Allele origin: germline. Affected: yes.

Illumina Laboratory Services, Illumina
Classification: Likely benign for Dilated cardiomyopathy 1X. Last evaluated: 2018-01-13. Review status: criteria provided, single submitter. Criteria: ICSL Variant Classification Criteria 13 December 2019. Collection method: clinical testing. Allele origin: germline.
Comment: This variant was observed in the ICSL laboratory as part of a predisposition screen in an ostensibly healthy population. It had not been previously curated by ICSL or reported in the Human Gene Mutation Database (HGMD: prior to June 1st, 2018), and was therefore a candidate for classification through an automated scoring system. Utilizing variant allele frequency, disease prevalence and penetrance estimates, and inheritance mode, an automated score was calculated to assess if this variant is too frequent to cause the disease. Based on the score and internal cut-off values, a variant classified as likely benign is not then subjected to further curation. The score for this variant resulted in a classification of likely benign for this disease.

Illumina Laboratory Services, Illumina
Classification: Benign for Muscular dystrophy-dystroglycanopathy (congenital with brain and eye anomalies), type A, 4. Last evaluated: 2018-01-13. Review status: criteria provided, single submitter. Criteria: ICSL Variant Classification Criteria 13 December 2019. Collection method: clinical testing. Allele origin: germline.
Comment: This variant was observed in the ICSL laboratory as part of a predisposition screen in an ostensibly healthy population. It had not been previously curated by ICSL or reported in the Human Gene Mutation Database (HGMD: prior to June 1st, 2018), and was therefore a candidate for classification through an automated scoring system. Utilizing variant allele frequency, disease prevalence and penetrance estimates, and inheritance mode, an automated score was calculated to assess if this variant is too frequent to cause the disease. Based on the score and internal cut-off values, a variant classified as benign is not then subjected to further curation. The score for this variant resulted in a classification of benign for this disease.

Eurofins Ntd Llc (ga)
Classification: Benign. Last evaluated: 2016-03-10. Review status: criteria provided, single submitter. Criteria: EGL Classification Definitions 2015. Collection method: clinical testing. Allele origin: germline. Observed: 3 variant alleles, 3 heterozygotes.

Breakthrough Genomics
Classification: Likely benign. Review status: criteria provided, single submitter. Criteria: ACMG Guidelines, 2015. Collection method: not provided. Allele origin: germline. Inheritance: Autosomal recessive inheritance. Affected: yes.

NM_001079802.2(FKTN):c.*2280T>C

Gene: FKTN (fukutin; plus strand). Cytogenetic location: 9q31.2.
Variant type: single nucleotide variant.
Coding change: c.*2280T>C on transcript NM_001079802.2 (MANE Select); 2280 bases downstream of the stop codon, T replaced by C.
Molecular consequence: 3 prime UTR variant. On other transcripts: non-coding transcript variant (2), intron variant (1).
Genome position (GRCh38, 1-based): chr9:105,637,544, T>C. VCF-style: chr9-105637544-T-C. GRCh37 (hg19) VCF-style: chr9-108399825-T-C.
Other names: c.*2280T>C (NM_001351496.2, NM_001351497.2, NM_001351499.2 and 4 more transcripts); c.*2458T>C (NM_001351498.2); c.1270+2396T>C (NM_001198963.2).
Identifiers: ClinVar variation 286574 (VCV000286574.13), dbSNP rs1024366, ClinGen allele CA10605508.